The following is an entry in ClinVar:

NM_002474.3(MYH11):c.2789G>A (p.Arg930His)

Gene: MYH11 (myosin heavy chain 11; minus strand). Cytogenetic location: 16p13.11.
Variant type: single nucleotide variant.
Coding change: c.2789G>A on transcript NM_002474.3 (MANE Select); coding-DNA position 2789, G replaced by A.
Protein change: p.Arg930His; replaces arginine 930 with histidine.
Molecular consequence: missense variant.
Genome position (GRCh38, 1-based): chr16:15,741,533, C>T on the plus strand (G>A on the coding strand, the complement: MYH11 is on the minus strand). VCF-style: chr16-15741533-C-T. GRCh37 (hg19) VCF-style: chr16-15835390-C-T.
Other names: c.2810G>A, p.Arg937His (NM_001040113.2, NM_001040114.2); c.2789G>A, p.Arg930His (NM_022844.3); c.2789G>A (NM_002474.2); short protein forms R937H, R930H.
Identifiers: ClinVar variation 534149 (VCV000534149.15), dbSNP rs1025259076, ClinGen allele CA278627178.

ClinVar aggregate classification (germline): Uncertain significance. Review status: criteria provided, multiple submitters, no conflicts (2 of 4 stars). 5 submissions from 5 submitters: Uncertain significance (5). Last evaluated 2024-12-31.

Conditions:
Aortic aneurysm, familial thoracic 4 (AAT4). Also called: AORTIC ANEURYSM/AORTIC DISSECTION AND PATENT DUCTUS ARTERIOSUS. Identifiers: MedGen C1851504, MONDO:0007568, OMIM 132900.
Megacystis-microcolon-intestinal hypoperistalsis syndrome 2. Identifiers: MedGen C5543476, MONDO:0025708, OMIM 619351.
Visceral myopathy 2. Identifiers: MedGen C5543466, MONDO:0859157, OMIM 619350.
Familial thoracic aortic aneurysm and aortic dissection (TAAD). Also called: Thoracic aortic aneurysms and dissections. Identifiers: Orphanet 91387, MedGen C4707243, MONDO:0019625.

Allele frequency attached by ClinVar (database versions not stated): gnomAD exomes 0.00001; TOPMed 0.00002.
gnomAD v4.1: 18 of 1,610,246 alleles (0.0011%); highest among the groups gnomAD compares: East Asian, 0.0089%; no homozygotes.

Submissions (5):

Labcorp Genetics (formerly Invitae), Labcorp
Classification: Uncertain significance for Aortic aneurysm, familial thoracic 4. Last evaluated: 2024-12-31. Review status: criteria provided, single submitter. Criteria: Invitae Variant Classification Sherloc (09022015). Collection method: clinical testing. Allele origin: germline.
Comment: This sequence change replaces arginine, which is basic and polar, with histidine, which is basic and polar, at codon 937 of the MYH11 protein (p.Arg937His). The frequency data for this variant in the population databases is considered unreliable, as metrics indicate poor data quality at this position in the gnomAD database. This missense change has been observed in individual(s) with clinical features of MYH11-related conditions (internal data). ClinVar contains an entry for this variant (Variation ID: 534149). Invitae Evidence Modeling of protein sequence and biophysical properties (such as structural, functional, and spatial information, amino acid conservation, physicochemical variation, residue mobility, and thermodynamic stability) indicates that this missense variant is not expected to disrupt MYH11 protein function with a negative predictive value of 95%. In summary, the available evidence is currently insufficient to determine the role of this variant in disease. Therefore, it has been classified as a Variant of Uncertain Significance.

All of Us Research Program, National Institutes of Health
Classification: Uncertain significance for Familial thoracic aortic aneurysm and aortic dissection. Last evaluated: 2024-08-29. Review status: criteria provided, single submitter. Criteria: ACMG Guidelines, 2015. Collection method: clinical testing. Allele origin: germline. Inheritance: Autosomal dominant inheritance. Observed: 4 variant alleles, 4 heterozygotes.
Comment: This missense variant replaces arginine with histidine at codon 937 of the MYH11 protein. Computational prediction suggests that this variant may have deleterious impact on protein structure and function (internally defined REVEL score threshold >= 0.7, PMID: 27666373). Splice site prediction tools suggest that this variant may not impact RNA splicing. To our knowledge, functional studies have not been performed for this variant. This variant has not been reported in individuals affected with cardiovascular disorders in the literature. This variant has been identified in 2/248594 chromosomes in the general population by the Genome Aggregation Database (gnomAD). The available evidence is insufficient to determine the role of this variant in disease conclusively. Therefore, this variant is classified as a Variant of Uncertain Significance.

This study involves interpretation of variants in research participants for the purpose of population health screening. Participant phenotype was not available at the time of variant classification. Additional details can be found in publication PMID: 35346344, PMCID: PMC8962531

Color Diagnostics, LLC DBA Color Health
Classification: Uncertain significance for Familial thoracic aortic aneurysm and aortic dissection. Last evaluated: 2024-03-07. Review status: criteria provided, single submitter. Criteria: ACMG Guidelines, 2015. Collection method: clinical testing. Allele origin: germline.
Comment: This missense variant replaces arginine with histidine at codon 937 of the MYH11 protein. Computational prediction suggests that this variant may have deleterious impact on protein structure and function (internally defined REVEL score threshold >= 0.7, PMID: 27666373). To our knowledge, functional studies have not been reported for this variant. This variant has not been reported in individuals affected with MYH11-related disorders in the literature. This variant has been identified in 2/248594 chromosomes in the general population by the Genome Aggregation Database (gnomAD). The available evidence is insufficient to determine the role of this variant in disease conclusively. Therefore, this variant is classified as a Variant of Uncertain Significance.

GeneDx
Classification: Uncertain significance. Last evaluated: 2023-12-21. Review status: criteria provided, single submitter. Criteria: GeneDx Variant Classification Process June 2021. Collection method: clinical testing. Allele origin: germline. Affected: yes.
Comment: Has not been previously published as pathogenic or benign to our knowledge; Not observed at significant frequency in large population cohorts (gnomAD); In silico analysis supports that this missense variant has a deleterious effect on protein structure/function

Fulgent Genetics
Classification: Uncertain significance for Aortic aneurysm, familial thoracic 4; Visceral myopathy 2; Megacystis-microcolon-intestinal hypoperistalsis syndrome 2. Last evaluated: 2021-09-15. Review status: criteria provided, single submitter. Criteria: ACMG Guidelines, 2015. Collection method: clinical testing. Allele origin: unknown.